The following is an entry in ClinVar:

NM_004444.5(EPHB4):c.1799_1802dup (p.Glu601_Ala602insTer)

Gene: EPHB4 (EPH receptor B4; minus strand). Cytogenetic location: 7q22.1.
Variant type: Duplication.
Coding change: c.1799_1802dup on transcript NM_004444.5 (MANE Select); coding-DNA positions 1799 to 1802, 4 bases duplicated (ATGA; older notation c.1799_1802dupATGA).
Protein change: p.Glu601_Ala602insTer.
Molecular consequence: nonsense, inframe insertion.
Genome position (GRCh38, 1-based): chr7:100,813,163-100,813,166, TCAT duplicated on the plus strand (ATGA on the coding strand, the reverse complement: EPHB4 is on the minus strand); duplicating any 4 consecutive bases within chr7:100,813,163-100,813,167 gives the same sequence; the c. name uses the placement nearest the transcript's 3' end. VCF-style (leftmost placement, unchanged base first): chr7-100813162-C-CTCAT. GRCh37 (hg19) VCF-style: chr7-100410784-C-CTCAT.
Identifiers: ClinVar variation 2813095 (VCV002813095.3), dbSNP rs2485017389, ClinGen allele CA2739278063.

ClinVar aggregate classification (germline): Pathogenic (1 of 4 stars; one submission).

Submission:

Labcorp Genetics (formerly Invitae), Labcorp
Classification: Pathogenic. Last evaluated: 2022-12-09. Review status: criteria provided, single submitter. Criteria: Invitae Variant Classification Sherloc (09022015). Collection method: clinical testing. Allele origin: germline.
Comment: This sequence change creates a premature translational stop signal (p.Ala602*) in the EPHB4 gene. It is expected to result in an absent or disrupted protein product. Loss-of-function variants in EPHB4 are known to be pathogenic (PMID: 28687708). For these reasons, this variant has been classified as Pathogenic. This variant has not been reported in the literature in individuals affected with EPHB4-related conditions. This variant is not present in population databases (gnomAD no frequency).

Literature cited by the submitters: PubMed 28687708.